The following is an entry in ClinVar:

ClinVar aggregate classification (germline): Likely pathogenic (1 of 4 stars; one submission).

Submission:

Labcorp Genetics (formerly Invitae), Labcorp
Classification: Likely pathogenic. Last evaluated: 2024-03-20. Review status: criteria provided, single submitter. Criteria: Invitae Variant Classification Sherloc (09022015). Collection method: clinical testing. Allele origin: germline.
Comment: This sequence change replaces aspartic acid, which is acidic and polar, with phenylalanine, which is neutral and non-polar, at codon 357 of the COMP protein (p.Asp357Phe). This variant is not present in population databases (gnomAD no frequency). This missense change has been observed in individual(s) with COMP-related conditions (Invitae). In at least one individual the variant was observed to be de novo. An algorithm developed to predict the effect of missense changes on protein structure and function (PolyPhen-2) suggests that this variant is likely to be disruptive. In summary, the currently available evidence indicates that the variant is pathogenic, but additional data are needed to prove that conclusively. Therefore, this variant has been classified as Likely Pathogenic.

NM_000095.3(COMP):c.1069_1070delinsTT (p.Asp357Phe)

Gene: COMP (cartilage oligomeric matrix protein; minus strand). Cytogenetic location: 19p13.11.
Variant type: Indel.
Coding change: c.1069_1070delinsTT on transcript NM_000095.3 (MANE Select); coding-DNA positions 1069 to 1070, GA replaced by TT.
Protein change: p.Asp357Phe; replaces aspartic acid 357 with phenylalanine.
Molecular consequence: missense variant.
Genome position (GRCh38, 1-based): chr19:18,787,556-18,787,557, TC replaced by AA on the plus strand (GA replaced by TT on the coding strand, the reverse complement: COMP is on the minus strand). VCF-style: chr19-18787556-TC-AA. GRCh37 (hg19) VCF-style: chr19-18898365-TC-AA.
Other names: short protein forms D357F.
Identifiers: ClinVar variation 2696896 (VCV002696896.3), dbSNP rs2512850157, ClinGen allele CA2697556420.